The following is an entry in ClinVar:

NM_004706.4(ARHGEF1):c.1566C>T (p.Ala522=)

Gene: ARHGEF1 (Rho guanine nucleotide exchange factor 1; plus strand). Cytogenetic location: 19q13.2.
Variant type: single nucleotide variant.
Coding change: c.1566C>T on transcript NM_004706.4 (MANE Select); coding-DNA position 1566, C replaced by T.
Protein change: p.Ala522=; no amino-acid change (alanine 522 retained).
Molecular consequence: synonymous variant. On other transcripts: non-coding transcript variant (2).
Genome position (GRCh38, 1-based): chr19:41,902,601, C>T. VCF-style: chr19-41902601-C-T. GRCh37 (hg19) VCF-style: chr19-42406751-C-T.
Other names: c.1734C>T, p.Ala578= (NM_001396000.1); c.1467C>T, p.Ala489= (NM_001396002.1, NM_001396004.1, NM_198977.2); c.1566C>T, p.Ala522= (NM_001396003.1, NM_001396006.1); c.1611C>T, p.Ala537= (NM_199002.2).
Identifiers: ClinVar variation 3047400 (VCV003047400.2), dbSNP rs2513887992, ClinGen allele CA507694328.

ClinVar aggregate classification (germline): Likely benign (0 of 4 stars; one submission).

Conditions:
ARHGEF1-related disorder. Also called: ARHGEF1-related condition.

Submission:

PreventionGenetics, part of Exact Sciences
Classification: Likely benign for ARHGEF1-related condition. Last evaluated: 2023-06-22. Review status: no assertion criteria provided. Collection method: clinical testing. Allele origin: germline.
Comment: This variant is classified as likely benign based on ACMG/AMP sequence variant interpretation guidelines (Richards et al. 2015 PMID: 25741868, with internal and published modifications).